The following is an entry in ClinVar:

ClinVar aggregate classification (germline): Conflicting classifications of pathogenicity. Review status: criteria provided, conflicting classifications (1 of 4 stars). 2 submissions from 2 submitters: Uncertain significance (1); Likely benign (1). Last evaluated 2026-01-20.

Conditions:
Tumor predisposition syndrome 3 (TPDS3). Also called: Glioma susceptibility 9; LONG TELOMERE SYNDROME, POT1-RELATED; POT1 Tumor Predisposition; Melanoma, cutaneous malignant, susceptibility to, 10. Identifiers: Orphanet 618, MedGen C4014476, MONDO:0014368, OMIM 615848.
Hereditary cancer-predisposing syndrome. Also called: Tumor predisposition; Hereditary Cancer Syndrome; Hereditary neoplastic syndrome; Neoplastic Syndromes, Hereditary. Identifiers: Orphanet 140162, MedGen C0027672, MeSH D009386, MONDO:0015356.

Submissions (2):

Labcorp Genetics (formerly Invitae), Labcorp
Classification: Uncertain significance for Tumor predisposition syndrome 3. Last evaluated: 2026-01-20. Review status: criteria provided, single submitter. Criteria: Invitae Variant Classification Sherloc (09022015). Collection method: clinical testing. Allele origin: germline.
Comment: This sequence change replaces serine, which is neutral and polar, with proline, which is neutral and non-polar, at codon 511 of the POT1 protein (p.Ser511Pro). This variant is not present in population databases (gnomAD no frequency). This variant has not been reported in the literature in individuals affected with POT1-related conditions. ClinVar contains an entry for this variant (Variation ID: 819477). Invitae Evidence Modeling of protein sequence and biophysical properties (such as structural, functional, and spatial information, amino acid conservation, physicochemical variation, residue mobility, and thermodynamic stability) indicates that this missense variant is not expected to disrupt POT1 protein function with a negative predictive value of 80%. In summary, the available evidence is currently insufficient to determine the role of this variant in disease. Therefore, it has been classified as a Variant of Uncertain Significance.

Ambry Genetics
Classification: Likely benign for Hereditary cancer-predisposing syndrome. Last evaluated: 2019-02-28. Review status: criteria provided, single submitter. Criteria: Ambry Variant Classification Scheme 2023. Collection method: clinical testing. Allele origin: germline.

NM_015450.3(POT1):c.1531T>C (p.Ser511Pro)

Gene: POT1 (protection of telomeres 1; minus strand). Cytogenetic location: 7q31.33.
Variant type: single nucleotide variant.
Coding change: c.1531T>C on transcript NM_015450.3 (MANE Select); coding-DNA position 1531, T replaced by C.
Protein change: p.Ser511Pro; replaces serine 511 with proline.
Molecular consequence: missense variant. On other transcripts: non-coding transcript variant (2).
Genome position (GRCh38, 1-based): chr7:124,829,317, A>G on the plus strand (T>C on the coding strand, the complement: POT1 is on the minus strand). VCF-style: chr7-124829317-A-G. GRCh37 (hg19) VCF-style: chr7-124469371-A-G.
Other names: c.1138T>C, p.Ser380Pro (NM_001042594.2); short protein forms S380P, S511P.
Identifiers: ClinVar variation 819477 (VCV000819477.14), dbSNP rs1584749215, ClinGen allele CA369064591.